The following is an entry in ClinVar:

NM_001201543.2(FAM161A):c.197C>T (p.Thr66Ile)

Gene: FAM161A (FAM161 centrosomal protein A; minus strand). Cytogenetic location: 2p15.
Variant type: single nucleotide variant.
Coding change: c.197C>T on transcript NM_001201543.2 (MANE Select); coding-DNA position 197, C replaced by T.
Protein change: p.Thr66Ile; replaces threonine 66 with isoleucine.
Molecular consequence: missense variant. On other transcripts: non-coding transcript variant (1).
Genome position (GRCh38, 1-based): chr2:61,842,347, G>A on the plus strand (C>T on the coding strand, the complement: FAM161A is on the minus strand). VCF-style: chr2-61842347-G-A. GRCh37 (hg19) VCF-style: chr2-62069482-G-A.
Other names: c.197C>T, p.Thr66Ile (NM_032180.3); short protein forms T66I.
Identifiers: ClinVar variation 167059 (VCV000167059.57), dbSNP rs145199539, ClinGen allele CA180033.

ClinVar aggregate classification (germline): Conflicting classifications of pathogenicity. Review status: criteria provided, conflicting classifications (1 of 4 stars). 11 submissions from 11 submitters: Uncertain significance (1); Benign (2); Likely benign (5). 3 of the submissions do not count toward it. Last evaluated 2026-09-15.

Conditions:
FAM161A-related disorder. Also called: FAM161A-related condition.
Retinitis pigmentosa (RP). Identifiers: Orphanet 791, MedGen C0035334, MeSH D012174, MONDO:0019200, OMIM 268000. Inheritance: Autosomal dominant, autosomal recessive and X linked inheritance.
Retinitis pigmentosa 28 (RP28). Identifiers: Orphanet 791, MedGen C1419614, MONDO:0011630, OMIM 606068.

Allele frequency attached by ClinVar (database versions not stated): 1000 Genomes Project 0.00260; TOPMed 0.00352; 1000 Genomes Project 30x 0.00250; gnomAD exomes 0.00494 and 0.00453; gnomAD 0.00397 and 0.00372; ESP Exome Variant Server 0.00460; ExAC 0.00710.
gnomAD v4.1: 7,099 of 1,563,328 alleles (0.45%); highest among the groups gnomAD compares: Middle Eastern, 1.1%; 35 homozygotes.

Submissions (11):

PreventionGenetics, part of Exact Sciences
Classification: Benign for FAM161A-related condition. Last evaluated: 2026-09-15. Review status: criteria provided, single submitter. Criteria: ACMG Guidelines, 2015. Collection method: clinical testing. Allele origin: germline.
Comment: This variant is classified as benign based on ACMG/AMP sequence variant interpretation guidelines (Richards et al. 2015 PMID: 25741868, with internal and published modifications).

CeGaT Center for Human Genetics Tuebingen
Classification: Likely benign. Last evaluated: 2026-08-01. Review status: criteria provided, single submitter. Criteria: CeGaT Center For Human Genetics Tuebingen Variant Classification Criteria Version 2. Collection method: clinical testing. Allele origin: germline. Affected: yes. Observed: 9 variant alleles.
Comment: FAM161A: BP4, BS2

Labcorp Genetics (formerly Invitae), Labcorp
Classification: Likely benign. Last evaluated: 2026-02-04. Review status: criteria provided, single submitter. Criteria: Invitae Variant Classification Sherloc (09022015). Collection method: clinical testing. Allele origin: germline.

Blueprint Genetics
Classification: Likely benign. Last evaluated: 2024-11-25. Review status: criteria provided, single submitter. Criteria: ACMG Guidelines, 2015. Collection method: clinical testing. Allele origin: germline.

Genome-Nilou Lab
Classification: Likely benign for Retinitis pigmentosa 28. Last evaluated: 2021-06-10. Review status: criteria provided, single submitter. Criteria: ACMG Guidelines, 2015. Collection method: clinical testing. Allele origin: germline. Affected: no.

Illumina Laboratory Services, Illumina
Classification: Uncertain significance for Retinitis pigmentosa. Last evaluated: 2018-01-12. Review status: criteria provided, single submitter. Criteria: ICSL Variant Classification Criteria 13 December 2019. Collection method: clinical testing. Allele origin: germline.

GeneDx
Classification: Likely benign. Last evaluated: 2016-02-16. Review status: criteria provided, single submitter. Criteria: GeneDx Variant Classification (06012015). Collection method: clinical testing. Allele origin: germline. Affected: yes.
Comment: This variant is considered likely benign or benign based on one or more of the following criteria: it is a conservative change, it occurs at a poorly conserved position in the protein, it is predicted to be benign by multiple in silico algorithms, and/or has population frequency not consistent with disease.

Eurofins Ntd Llc (ga)
Classification: Benign. Last evaluated: 2014-04-28. Review status: criteria provided, single submitter. Criteria: EGL Classification Definitions 2015. Collection method: clinical testing. Allele origin: germline. Observed: 1 variant allele, 1 heterozygote.

Natera, Inc.
Classification: Benign for Retinitis pigmentosa type 28. Last evaluated: 2019-10-18. Review status: no assertion criteria provided. Collection method: clinical testing. Allele origin: germline. Not counted in ClinVar's aggregate classification.

Clinical Genetics DNA and cytogenetics Diagnostics Lab, Erasmus MC, Erasmus Medical Center
Classification: Benign. Review status: no assertion criteria provided. Collection method: clinical testing. Allele origin: germline. Affected: yes. Study: VKGL Data-share Consensus. Not counted in ClinVar's aggregate classification.

Clinical Genetics, Academic Medical Center
Classification: Benign. Review status: no assertion criteria provided. Collection method: clinical testing. Allele origin: germline. Affected: yes. Study: VKGL Data-share Consensus. Not counted in ClinVar's aggregate classification.